The following is an entry in ClinVar:

ClinVar aggregate classification (germline): Uncertain significance (1 of 4 stars; one submission).

Conditions:
Primary ciliary dyskinesia. Also called: Ciliary dyskinesia. Identifiers: Orphanet 244, MedGen C0008780, MONDO:0016575, HP:0012265.

Allele frequency attached by ClinVar (database versions not stated): TOPMed below 0.00001; gnomAD 0.00001; ExAC 0.00002; gnomAD exomes 0.00003.
gnomAD v4.1: 44 of 1,613,626 alleles (0.0027%); highest among the groups gnomAD compares: Non-Finnish European, 0.0036%; 1 homozygote.

Submission:

Labcorp Genetics (formerly Invitae), Labcorp
Classification: Uncertain significance for Primary ciliary dyskinesia. Last evaluated: 2023-12-07. Review status: criteria provided, single submitter. Criteria: Invitae Variant Classification Sherloc (09022015). Collection method: clinical testing. Allele origin: germline.
Comment: This sequence change replaces proline, which is neutral and non-polar, with arginine, which is basic and polar, at codon 87 of the RSPH9 protein (p.Pro87Arg). This variant is present in population databases (rs774989438, gnomAD 0.004%). This variant has not been reported in the literature in individuals affected with RSPH9-related conditions. ClinVar contains an entry for this variant (Variation ID: 525281). An algorithm developed to predict the effect of missense changes on protein structure and function (PolyPhen-2) suggests that this variant is likely to be tolerated. In summary, the available evidence is currently insufficient to determine the role of this variant in disease. Therefore, it has been classified as a Variant of Uncertain Significance.

NM_152732.5(RSPH9):c.260C>G (p.Pro87Arg)

Gene: RSPH9 (radial spoke head component 9; plus strand). Cytogenetic location: 6p21.1.
Variant type: single nucleotide variant.
Coding change: c.260C>G on transcript NM_152732.5 (MANE Select); coding-DNA position 260, C replaced by G.
Protein change: p.Pro87Arg; replaces proline 87 with arginine.
Molecular consequence: missense variant. On other transcripts: non-coding transcript variant (1).
Genome position (GRCh38, 1-based): chr6:43,650,407, C>G. VCF-style: chr6-43650407-C-G. GRCh37 (hg19) VCF-style: chr6-43618144-C-G.
Other names: c.260C>G, p.Pro87Arg (NM_001193341.2, NM_001424119.1, NM_001424120.1 and 1 more transcripts); short protein forms P87R.
Identifiers: ClinVar variation 525281 (VCV000525281.10), dbSNP rs774989438, ClinGen allele CA3828261.
Genomic context (GRCh38, chr6:43,650,407, plus strand): 5'-CCAGGGGTGATGTGAATATTGTTGGCAGCCTGAACTGCACAGAGTGGAGCCTCTTGCCCC[C>G]TGCCACAGAGGAGATGGTGGCGCAGTCGTCTGTGGTGAAGGGCCGCTTCATGGGGGACCC-3'
Protein context (NP_689945.2, residues 77-97): LNCTEWSLLP[Pro87Arg]ATEEMVAQSS